The following is an entry in ClinVar:

ClinVar aggregate classification (germline): Uncertain significance (1 of 4 stars; one submission).

Conditions:
Baller-Gerold syndrome (BGS). Also called: CRANIOSYNOSTOSIS WITH RADIAL DEFECTS. Identifiers: Orphanet 1225, MedGen C0265308, MONDO:0009039, OMIM 218600.

Allele frequency attached by ClinVar (database versions not stated): gnomAD exomes below 0.00001 and 0.00001; ExAC 0.00001.
gnomAD v4.1: 4 of 1,612,460 alleles (0.00025%); highest among the groups gnomAD compares: South Asian, 0.0033%; no homozygotes.

Submission:

Labcorp Genetics (formerly Invitae), Labcorp
Classification: Uncertain significance for Baller-Gerold syndrome. Last evaluated: 2022-07-14. Review status: criteria provided, single submitter. Criteria: Invitae Variant Classification Sherloc (09022015). Collection method: clinical testing. Allele origin: germline.
Comment: This sequence change replaces leucine, which is neutral and non-polar, with phenylalanine, which is neutral and non-polar, at codon 1027 of the RECQL4 protein (p.Leu1027Phe). This variant is present in population databases (rs767057306, gnomAD 0.006%). This variant has not been reported in the literature in individuals affected with RECQL4-related conditions. ClinVar contains an entry for this variant (Variation ID: 952257). In summary, the available evidence is currently insufficient to determine the role of this variant in disease. Therefore, it has been classified as a Variant of Uncertain Significance.

NM_004260.4(RECQL4):c.3079C>T (p.Leu1027Phe)

Gene: RECQL4 (RecQ like helicase 4; minus strand). Cytogenetic location: 8q24.3.
Variant type: single nucleotide variant.
Coding change: c.3079C>T on transcript NM_004260.4 (MANE Select); coding-DNA position 3079, C replaced by T.
Protein change: p.Leu1027Phe; replaces leucine 1027 with phenylalanine.
Molecular consequence: missense variant.
Genome position (GRCh38, 1-based): chr8:144,512,301, G>A on the plus strand (C>T on the coding strand, the complement: RECQL4 is on the minus strand). VCF-style: chr8-144512301-G-A. GRCh37 (hg19) VCF-style: chr8-145737684-G-A.
Other names: short protein forms L1027F.
Identifiers: ClinVar variation 952257 (VCV000952257.4), dbSNP rs767057306, ClinGen allele CA4947933.
Genomic context (GRCh38, chr8:144,512,301, plus strand): 5'-CCTCAGCGGTCAAGTCCCCCGGGCTGCGAAGGTGGAAGGCCAGCTCACTGAACTCCACAA[G>A]CACCCCTGTCCCACGCCGCACACCTGCCGGAAAGCATGTCAGATGCAGGCAGGCAGCGTC-3'
Protein context (NP_004251.4, residues 1017-1037): RTGVRRGTGV[Leu1027Phe]VEFSELAFHL